The following is an entry in ClinVar:

NM_014629.4(ARHGEF10):c.1407C>T (p.Ser469=)

Gene: ARHGEF10 (Rho guanine nucleotide exchange factor 10; plus strand). Cytogenetic location: 8p23.3.
Variant type: single nucleotide variant.
Coding change: c.1407C>T on transcript NM_014629.4 (MANE Select); coding-DNA position 1407, C replaced by T.
Protein change: p.Ser469=; no amino-acid change (serine 469 retained).
Molecular consequence: synonymous variant.
Genome position (GRCh38, 1-based): chr8:1,894,539, C>T. VCF-style: chr8-1894539-C-T. GRCh37 (hg19) VCF-style: chr8-1842705-C-T.
Other names: c.1293C>T, p.Ser431= (NM_001308152.2); c.1410C>T, p.Ser470= (NM_001308153.3).
Identifiers: ClinVar variation 2071084 (VCV002071084.29), dbSNP rs147974725, ClinGen allele CA4600349.

ClinVar aggregate classification (germline): Likely benign. Review status: criteria provided, multiple submitters, no conflicts (2 of 4 stars). 3 submissions from 3 submitters: Likely benign (3). Last evaluated 2025-12-01.

Allele frequency attached by ClinVar (database versions not stated): TOPMed 0.00007.

Submissions (3):

Labcorp Genetics (formerly Invitae), Labcorp
Classification: Likely benign. Last evaluated: 2025-12-01. Review status: criteria provided, single submitter. Criteria: Invitae Variant Classification Sherloc (09022015). Collection method: clinical testing. Allele origin: germline.

Blueprint Genetics
Classification: Likely benign. Last evaluated: 2024-11-12. Review status: criteria provided, single submitter. Criteria: ACMG Guidelines, 2015. Collection method: clinical testing. Allele origin: germline.

CeGaT Center for Human Genetics Tuebingen
Classification: Likely benign. Last evaluated: 2023-08-01. Review status: criteria provided, single submitter. Criteria: CeGaT Center For Human Genetics Tuebingen Variant Classification Criteria Version 2. Collection method: clinical testing. Allele origin: germline. Affected: yes. Observed: 1 variant allele.
Comment: ARHGEF10: BP4, BP7